The following is an entry in ClinVar:

ClinVar aggregate classification (germline): Uncertain significance (1 of 4 stars; one submission).

Allele frequency attached by ClinVar (database versions not stated): gnomAD exomes below 0.00001; TOPMed 0.00001.

Submission:

GeneDx
Classification: Uncertain significance. Last evaluated: 2019-07-02. Review status: criteria provided, single submitter. Criteria: GeneDx Variant Classification Process June 2021. Collection method: clinical testing. Allele origin: germline. Affected: yes.
Comment: Not observed at a significant frequency in large population cohorts (Lek et al., 2016); In silico analysis, which includes protein predictors and evolutionary conservation, supports a deleterious effect; Has not been previously published as pathogenic or benign to our knowledge

NM_133261.3(GIPC3):c.494T>C (p.Ile165Thr)

Gene: GIPC3 (GIPC PDZ domain containing family member 3; plus strand). Cytogenetic location: 19p13.3.
Variant type: single nucleotide variant.
Coding change: c.494T>C on transcript NM_133261.3 (MANE Select); coding-DNA position 494, T replaced by C.
Protein change: p.Ile165Thr; replaces isoleucine 165 with threonine.
Molecular consequence: missense variant.
Genome position (GRCh38, 1-based): chr19:3,586,896, T>C. VCF-style: chr19-3586896-T-C. GRCh37 (hg19) VCF-style: chr19-3586894-T-C.
Other names: short protein forms I165T.
Identifiers: ClinVar variation 1306815 (VCV001306815.2), dbSNP rs1441513340, ClinGen allele CA403362261.